The following is an entry in ClinVar:

ClinVar aggregate classification (germline): Uncertain significance (1 of 4 stars; one submission).

Conditions:
Charcot-Marie-Tooth disease type 2. Also called: Charcot-Marie-Tooth type 2. Identifiers: Orphanet 64746, MedGen C0270914, MONDO:0018993.

Allele frequency attached by ClinVar (database versions not stated): gnomAD 0.00003 and 0.00004; ExAC 0.00002; gnomAD exomes 0.00002 and 0.00001; TOPMed 0.00002.
gnomAD v4.1: 15 of 1,614,110 alleles (0.00093%); highest among the groups gnomAD compares: Non-Finnish European, 0.0013%; no homozygotes.

Submission:

Labcorp Genetics (formerly Invitae), Labcorp
Classification: Uncertain significance for Charcot-Marie-Tooth disease type 2. Last evaluated: 2020-12-14. Review status: criteria provided, single submitter. Criteria: Invitae Variant Classification Sherloc (09022015). Collection method: clinical testing. Allele origin: germline.
Comment: This variant has not been reported in the literature in individuals with MED25-related conditions. This variant is present in population databases (rs773539397, ExAC 0.003%). This sequence change replaces proline with alanine at codon 78 of the MED25 protein (p.Pro78Ala). The proline residue is highly conserved and there is a small physicochemical difference between proline and alanine. Algorithms developed to predict the effect of missense changes on protein structure and function are either unavailable or do not agree on the potential impact of this missense change (SIFT: "Deleterious"; PolyPhen-2: "Probably Damaging"; Align-GVGD: "Class C0"). In summary, the available evidence is currently insufficient to determine the role of this variant in disease. Therefore, it has been classified as a Variant of Uncertain Significance.

NM_030973.4(MED25):c.232C>G (p.Pro78Ala)

Gene: MED25 (mediator complex subunit 25; plus strand). Cytogenetic location: 19q13.33.
Variant type: single nucleotide variant.
Coding change: c.232C>G on transcript NM_030973.4 (MANE Select); coding-DNA position 232, C replaced by G.
Protein change: p.Pro78Ala; replaces proline 78 with alanine.
Molecular consequence: missense variant.
Genome position (GRCh38, 1-based): chr19:49,819,223, C>G. VCF-style: chr19-49819223-C-G. GRCh37 (hg19) VCF-style: chr19-50322480-C-G.
Other names: c.232C>G, p.Pro78Ala (NM_001378355.1); short protein forms P78A.
Identifiers: ClinVar variation 1513020 (VCV001513020.6), dbSNP rs773539397, ClinGen allele CA9584770.